The following is an entry in ClinVar:

ClinVar aggregate classification (germline): Uncertain significance (1 of 4 stars; one submission).

gnomAD v4.1: 1 of 1,614,066 alleles (0.000062%); highest among the groups gnomAD compares: East Asian, 0.0022%; no homozygotes.

Submission:

Ambry Genetics
Classification: Uncertain significance. Last evaluated: 2025-05-19. Review status: criteria provided, single submitter. Criteria: Ambry Variant Classification Scheme 2023. Collection method: clinical testing. Allele origin: germline.
Comment: The p.P629L variant (also known as c.1886C>T), located in coding exon 2 of the CDK12 gene, results from a C to T substitution at nucleotide position 1886. The proline at codon 629 is replaced by leucine, an amino acid with similar properties. This amino acid position is conserved. In addition, the in silico prediction for this alteration is inconclusive. Based on the available evidence, the clinical significance of this variant remains unclear.

NM_016507.4(CDK12):c.1886C>T (p.Pro629Leu)

Gene: CDK12 (cyclin dependent kinase 12; plus strand). Cytogenetic location: 17q12.
Variant type: single nucleotide variant.
Coding change: c.1886C>T on transcript NM_016507.4 (MANE Select); coding-DNA position 1886, C replaced by T.
Protein change: p.Pro629Leu; replaces proline 629 with leucine.
Molecular consequence: missense variant.
Genome position (GRCh38, 1-based): chr17:39,471,718, C>T. VCF-style: chr17-39471718-C-T. GRCh37 (hg19) VCF-style: chr17-37627971-C-T.
Other names: c.1886C>T, p.Pro629Leu (NM_015083.4); short protein forms P629L.
Identifiers: ClinVar variation 3999473 (VCV003999473.1).